The following is an entry in ClinVar:

ClinVar aggregate classification (germline): Likely pathogenic. Review status: criteria provided, multiple submitters, no conflicts (2 of 4 stars). 2 submissions from 2 submitters: Likely pathogenic (2). Last evaluated 2025-12-21.

Conditions:
Familial thoracic aortic aneurysm and aortic dissection (TAAD). Also called: Thoracic aortic aneurysms and dissections. Identifiers: Orphanet 91387, MedGen C4707243, MONDO:0019625.
Ehlers-Danlos syndrome, kyphoscoliotic type 1 (EDSKSCL1). Also called: PLOD1-Related Kyphoscoliotic Ehlers-Danlos Syndrome; EHLERS-DANLOS SYNDROME, TYPE VIA; EHLERS-DANLOS SYNDROME, OCULAR-SCOLIOTIC TYPE; Ehlers-Danlos syndrome, hydroxylysine-deficient. Identifiers: Orphanet 1900, MedGen C0268342, MONDO:0016002, OMIM 225400. Disease mechanism: loss of function.

Submissions (2):

Labcorp Genetics (formerly Invitae), Labcorp
Classification: Likely pathogenic for Ehlers-Danlos syndrome, kyphoscoliotic type 1. Last evaluated: 2025-12-21. Review status: criteria provided, single submitter. Criteria: Invitae Variant Classification Sherloc (09022015). Collection method: clinical testing. Allele origin: germline.
Comment: This sequence change affects an acceptor splice site in intron 4 of the PLOD1 gene. It is expected to disrupt RNA splicing. Variants that disrupt the donor or acceptor splice site typically lead to a loss of protein function (PMID: 16199547), and loss-of-function variants in PLOD1 are known to be pathogenic (PMID: 10874315, 21699693). This variant is not present in population databases (gnomAD no frequency). This variant has not been reported in the literature in individuals affected with PLOD1-related conditions. ClinVar contains an entry for this variant (Variation ID: 2044480). Algorithms developed to predict the effect of sequence changes on RNA splicing suggest that this variant may disrupt the consensus splice site. In summary, the currently available evidence indicates that the variant is pathogenic, but additional data are needed to prove that conclusively. Therefore, this variant has been classified as Likely Pathogenic.

Ambry Genetics
Classification: Likely pathogenic for Familial thoracic aortic aneurysm and aortic dissection. Last evaluated: 2024-06-05. Review status: criteria provided, single submitter. Criteria: Ambry Variant Classification Scheme 2023. Collection method: clinical testing. Allele origin: germline.
Comment: The c.467-2A>G intronic variant results from an A to G substitution two nucleotides before coding exon 5 in the PLOD1 gene. This variant has been identified in conjunction with another PLOD1 variant in an individual with features consistent with PLOD1-related kyphoscoliotic Ehlers-Danlos syndrome (Micha D et al. Biochem Biophys Res Commun, 2020 Jan;521:310-317). Another alteration impacting the same acceptor site (c.467-2delA) has also been reported in association with PLOD1-related kyphoscoliotic Ehlers-Danlos syndrome (Heikkinen J et al. Hum Mutat, 1999 Oct;14:351). This nucleotide position is highly conserved in available vertebrate species. In silico splice site analysis predicts that this alteration will weaken the native splice acceptor site and will result in the creation or strengthening of a novel splice acceptor site. This variant is considered to be rare based on population cohorts in the Genome Aggregation Database (gnomAD). In addition to the clinical data presented in the literature, alterations that disrupt the canonical splice site are expected to cause aberrant splicing, resulting in an abnormal protein or a transcript that is subject to nonsense-mediated mRNA decay. As such, this alteration is classified as likely pathogenic.

Literature cited by the submitters: PubMed 16199547 (cited by Labcorp Genetics (formerly Invitae), Labcorp); PubMed 10874315 (cited by Labcorp Genetics (formerly Invitae), Labcorp); PubMed 21699693 (cited by Labcorp Genetics (formerly Invitae), Labcorp); PubMed 10502784 (cited by Ambry Genetics); PubMed 31668813 (cited by Ambry Genetics).

NM_000302.4(PLOD1):c.467-2A>G

Gene: PLOD1 (procollagen-lysine,2-oxoglutarate 5-dioxygenase 1; plus strand). Cytogenetic location: 1p36.22.
Variant type: single nucleotide variant.
Coding change: c.467-2A>G on transcript NM_000302.4 (MANE Select); the canonical splice acceptor site of the intron before coding-DNA position 467, A replaced by G.
Molecular consequence: splice acceptor variant.
Genome position (GRCh38, 1-based): chr1:11,952,621, A>G. VCF-style: chr1-11952621-A-G. GRCh37 (hg19) VCF-style: chr1-12012678-A-G.
Other names: c.608-2A>G (NM_001316320.2); c.467-2A>G (NM_000302.3).
Identifiers: ClinVar variation 2044480 (VCV002044480.5), dbSNP rs571824470, ClinGen allele CA18000156.
Genomic context (GRCh38, chr1:11,952,621, plus strand): 5'-CCCCTGACTTAGAGGCTGGAAGCTAAGGGTCCGTCTTGGTGTCCCCACCCACCAACCTTC[A>G]GGCTTCATCGGTTATGCCCCCAACCTCAGCAAACTGGTGGCCGAGTGGGAGGGCCAGGAC-3'